The following is an entry in ClinVar:

ClinVar aggregate classification (germline): Uncertain significance (1 of 4 stars; one submission).

Conditions:
Familial intrahepatic cholestasis. Identifiers: Orphanet 284385, MedGen CN296401, MONDO:0017290.
Low phospholipid associated cholelithiasis (GBD1). Also called: Gallbladder disease 1; Gallstone cholecystitis. Identifiers: Orphanet 69663, MedGen C2609268, MONDO:0010939, OMIM 600803.

Submission:

Genomenon, Inc
Classification: Uncertain significance for Familial intrahepatic cholestasis; Low phospholipid associated cholelithiasis. Last evaluated: 2026-04-14. Review status: criteria provided, single submitter. Criteria: Genomenon Sequence Variant Interpretation Standards - Updated. Collection method: curation. Allele origin: germline. Affected: no.
Comment: ABCB4 p.Ile1153Lys (c.3458T>A) is a missense variant that changes the amino acid at residue 1153 from Isoleucine to Lysine. This variant has been reported in the published literature (PMID:37208429). It is absent or not present at a significant frequency in gnomAD. In silico models predict that this variant is possibly or probably damaging. In conclusion, we classify ABCB4 p.Ile1153Lys (c.3458T>A) as a variant of uncertain significance.

Literature cited by the submitters: PubMed 37208429.

NM_000443.4(ABCB4):c.3458T>A (p.Ile1153Lys)

Gene: ABCB4 (ATP binding cassette subfamily B member 4; minus strand). Cytogenetic location: 7q21.12.
Variant type: single nucleotide variant.
Coding change: c.3458T>A on transcript NM_000443.4 (MANE Select); coding-DNA position 3458, T replaced by A.
Protein change: p.Ile1153Lys; replaces isoleucine 1153 with lysine.
Molecular consequence: missense variant.
Genome position (GRCh38, 1-based): chr7:87,406,316, A>T on the plus strand (T>A on the coding strand, the complement: ABCB4 is on the minus strand). VCF-style: chr7-87406316-A-T. GRCh37 (hg19) VCF-style: chr7-87035632-A-T.
Other names: c.3479T>A, p.Ile1160Lys (NM_018849.3); c.3317T>A, p.Ile1106Lys (NM_018850.3); short protein forms I1106K, I1153K, I1160K.
Identifiers: ClinVar variation 4846493 (VCV004846493.1).